The following is an entry in ClinVar:

NM_001367868.2(PLIN4):c.2319T>A (p.Ala773=)

Gene: PLIN4 (perilipin 4; minus strand). Cytogenetic location: 19p13.3.
Variant type: single nucleotide variant.
Coding change: c.2319T>A on transcript NM_001367868.2 (MANE Select); coding-DNA position 2319, T replaced by A.
Protein change: p.Ala773=; no amino-acid change (alanine 773 retained).
Molecular consequence: synonymous variant.
Genome position (GRCh38, 1-based): chr19:4,511,641, A>T on the plus strand (T>A on the coding strand, the complement: PLIN4 is on the minus strand). VCF-style: chr19-4511641-A-T. GRCh37 (hg19) VCF-style: chr19-4511653-A-T.
Other names: c.2322T>A, p.Ala774= (NM_001393888.1, NM_001393889.1); c.2319T>A, p.Ala773= (NM_001393890.1, NM_001393891.1).
Identifiers: ClinVar variation 3777990 (VCV003777990.7).

ClinVar aggregate classification (germline): Likely benign (1 of 4 stars; one submission).

Submission:

CeGaT Center for Human Genetics Tuebingen
Classification: Likely benign. Last evaluated: 2025-03-01. Review status: criteria provided, single submitter. Criteria: CeGaT Center For Human Genetics Tuebingen Variant Classification Criteria Version 2. Collection method: clinical testing. Allele origin: germline. Affected: yes. Observed: 1 variant allele.
Comment: PLIN4: BP4, BP7